The following is an entry in ClinVar:

NM_001159699.2(FHL1):c.737-2dup

Gene: FHL1 (four and a half LIM domains 1; plus strand). Cytogenetic location: Xq26.3.
Variant type: Duplication.
Coding change: c.737-2dup on transcript NM_001159699.2 (MANE Select); the canonical splice acceptor site of the intron before coding-DNA position 737, one base duplicated (A; older notation c.737-2dupA).
Molecular consequence: splice acceptor variant.
Genome position (GRCh38, 1-based): chrX:136,209,869, A duplicated. VCF-style (leftmost placement, unchanged base first): chrX-136209868-C-CA. GRCh37 (hg19) VCF-style: chrX-135292027-C-CA.
Other names: c.889-2dup (NM_001159702.3, NM_001369326.1, NM_001369327.2 and 1 more transcripts); c.689-2dup (NM_001449.5, NM_001369329.1, NM_001369330.1 and 4 more transcripts); c.502-2dup (NM_001159703.2); c.776-2dup (NM_001159701.2); c.550-2dup (NM_001330659.2).
Identifiers: ClinVar variation 648125 (VCV000648125.7), dbSNP rs752156219, ClinGen allele CA10525119.

ClinVar aggregate classification (germline): Uncertain significance (1 of 4 stars; one submission).

Conditions:
X-linked myopathy with postural muscle atrophy. Also called: FHL1-Related Emery-Dreifuss Muscular Dystrophy, X-Linked. Identifiers: Orphanet 178461, MedGen C2678055, MONDO:0010401, OMIM 300696.

Allele frequency attached by ClinVar (database versions not stated): ExAC 0.00001; gnomAD exomes 0.00001.

Submission:

Labcorp Genetics (formerly Invitae), Labcorp
Classification: Uncertain significance for X-linked myopathy with postural muscle atrophy. Last evaluated: 2025-06-08. Review status: criteria provided, single submitter. Criteria: Invitae Variant Classification Sherloc (09022015). Collection method: clinical testing. Allele origin: germline.
Comment: This sequence change falls in intron 6 of the FHL1 gene. It does not directly change the encoded amino acid sequence of the FHL1 protein. It affects a nucleotide within the consensus splice site. This variant is present in population databases (rs752156219, gnomAD 0.004%). This variant has not been reported in the literature in individuals affected with FHL1-related conditions. ClinVar contains an entry for this variant (Variation ID: 648125). Variants that disrupt the consensus splice site are a relatively common cause of aberrant splicing (PMID: 17576681, 9536098). In summary, the available evidence is currently insufficient to determine the role of this variant in disease. Therefore, it has been classified as a Variant of Uncertain Significance.

Literature cited by the submitters: PubMed 17576681; PubMed 9536098.